The following is an entry in ClinVar:

NM_001267550.2(TTN):c.88496T>G (p.Leu29499Arg)

Genes: TTN (titin; minus strand), TTN-AS1 (TTN antisense RNA 1; plus strand). Cytogenetic location: 2q31.2.
Variant type: single nucleotide variant.
Coding change: c.88496T>G on transcript NM_001267550.2 (MANE Select); coding-DNA position 88496, T replaced by G.
Protein change: p.Leu29499Arg; replaces leucine 29499 with arginine.
Molecular consequence: missense variant.
Genome position (GRCh38, 1-based): chr2:178,554,963, A>C on the plus strand (T>G on the coding strand, the complement: TTN is on the minus strand). VCF-style: chr2-178554963-A-C. GRCh37 (hg19) VCF-style: chr2-179419690-A-C.
Other names: p.L27858R:CTC>CGC; p.Leu27858Arg; c.83573T>G, p.Leu27858Arg (NM_001256850.1); c.61301T>G, p.Leu20434Arg (NM_003319.4); c.80792T>G, p.Leu26931Arg (NM_133378.4); c.61676T>G, p.Leu20559Arg (NM_133432.3); c.61877T>G, p.Leu20626Arg (NM_133437.4); short protein forms L27858R, L29499R, L26931R, L20434R, L20626R, L20559R.
Identifiers: ClinVar variation 202948 (VCV000202948.24), dbSNP rs72648234, ClinGen allele CA310778.

ClinVar aggregate classification (germline): Conflicting classifications of pathogenicity. Review status: criteria provided, conflicting classifications (1 of 4 stars). 10 submissions from 10 submitters: Uncertain significance (8); Likely benign (2). Last evaluated 2026-09-18.

Conditions:
TTN-related disorder. Also called: TTN-related condition; TTN-related disease; TTN-related disorders.
Autosomal recessive limb-girdle muscular dystrophy type 2J (LGMDR10). Also called: Limb-girdle muscular dystrophy, type 2J; MUSCULAR DYSTROPHY, LIMB-GIRDLE, AUTOSOMAL RECESSIVE 10. Identifiers: Orphanet 140922, MedGen C1837342, MONDO:0012127, OMIM 608807.
Dilated cardiomyopathy 1G (CMD1G). Identifiers: Orphanet 154, MedGen C1858763, MONDO:0011400, OMIM 604145.
Cardiovascular phenotype. Identifiers: MedGen CN230736.

Allele frequency attached by ClinVar (database versions not stated): gnomAD 0.00009 and 0.00011; gnomAD exomes 0.00014 and 0.00016; TOPMed 0.00015; ESP Exome Variant Server 0.00017; ExAC 0.00020.
gnomAD v4.1: 253 of 1,613,630 alleles (0.016%); highest among the groups gnomAD compares: Non-Finnish European, 0.02%; no homozygotes.

Submissions (10):

PreventionGenetics, part of Exact Sciences
Classification: Uncertain significance for TTN-related condition. Last evaluated: 2026-09-18. Review status: criteria provided, single submitter. Criteria: ACMG Guidelines, 2015. Collection method: clinical testing. Allele origin: germline.
Comment: The TTN c.88496T>G variant is predicted to result in the amino acid substitution p.Leu29499Arg. This variant was documented in an individual from a dilated cardiomyopathy cohort (Begay et al. 2015. PubMed ID: 26567375) and in another individual with cardiomyopathy (Supplementary Table 1, Verhagen et al. 2018. PubMed ID: 29988065). This variant is reported in 0.030% of alleles in individuals of European (Non-Finnish) descent in gnomAD. Although we suspect that this variant may be benign, at this time, the clinical significance of this variant is uncertain due to the absence of conclusive functional and genetic evidence.

Mayo Clinic Laboratories, Mayo Clinic
Classification: Uncertain significance. Last evaluated: 2025-11-16. Review status: criteria provided, single submitter. Criteria: ACMG Guidelines, 2015. Collection method: clinical testing. Allele origin: germline. Observed: 3 variant alleles.

Women's Health and Genetics/Laboratory Corporation of America, LabCorp
Classification: Uncertain significance. Last evaluated: 2025-05-07. Review status: criteria provided, single submitter. Criteria: LabCorp Variant Classification Summary - May 2015. Collection method: clinical testing. Allele origin: germline.
Comment: Variant summary: TTN c.80792T>G (p.Leu26931Arg) results in a non-conservative amino acid change in the encoded protein sequence. Algorithms developed to predict the effect of missense changes on protein structure and function are either unavailable or do not agree on the potential impact of this missense change. The variant allele was found at a frequency of 0.00014 in 248410 control chromosomes. This frequency is not significantly higher than estimated for a pathogenic variant in TTN causing Autosomal Recessive Titinopathy (0.00014 vs 0.00039), allowing no conclusion about variant significance. c.80792T>G has been observed in the presumed heterozygous/unknown zygosity state(s) in at least 2 individual(s) affected with dilated cardiomyopathy or unspecified cardiomyopathy, without strong evidence for causality (example, Begay_2015, Verhagen_2018). These report(s) do not provide unequivocal conclusions about association of the variant with TTN-related conditions. To our knowledge, no experimental evidence demonstrating an impact on protein function has been reported. The following publications have been ascertained in the context of this evaluation (PMID: 26567375, 29988065). ClinVar contains an entry for this variant (Variation ID: 202948). Based on the evidence outlined above, the variant was classified as uncertain significance.

Blueprint Genetics
Classification: Likely benign. Last evaluated: 2024-05-06. Review status: criteria provided, single submitter. Criteria: ACMG Guidelines, 2015. Collection method: clinical testing. Allele origin: germline.

Revvity Omics, Revvity
Classification: Uncertain significance. Last evaluated: 2023-06-08. Review status: criteria provided, single submitter. Criteria: ACMG Guidelines, 2015. Collection method: clinical testing. Allele origin: germline.

CeGaT Center for Human Genetics Tuebingen
Classification: Uncertain significance. Last evaluated: 2023-03-01. Review status: criteria provided, single submitter. Criteria: CeGaT Center For Human Genetics Tuebingen Variant Classification Criteria Version 2. Collection method: clinical testing. Allele origin: germline. Affected: yes. Observed: 1 variant allele.
Comment: TTN: PM2:Supporting, BP1

Ambry Genetics
Classification: Likely benign for Cardiovascular phenotype. Last evaluated: 2019-10-17. Review status: criteria provided, single submitter. Criteria: Ambry Variant Classification Scheme 2023. Collection method: clinical testing. Allele origin: germline.

Labcorp Genetics (formerly Invitae), Labcorp
Classification: Uncertain significance for Dilated cardiomyopathy 1G; Autosomal recessive limb-girdle muscular dystrophy type 2J. Last evaluated: 2017-11-06. Review status: criteria provided, single submitter. Criteria: Invitae Variant Classification Sherloc (09022015). Collection method: clinical testing. Allele origin: germline.

Eurofins Ntd Llc (ga)
Classification: Uncertain significance. Last evaluated: 2017-01-18. Review status: criteria provided, single submitter. Criteria: EGL Classification Definitions 2015. Collection method: clinical testing. Allele origin: germline. Observed: 4 variant alleles, 4 heterozygotes.

GeneDx
Classification: Uncertain significance. Last evaluated: 2014-06-20. Review status: criteria provided, single submitter. Criteria: GeneDx Variant Classification (06012015). Collection method: clinical testing. Allele origin: germline. Affected: yes.
Comment: Missense variants in the TTN gene are considered 'unclassified' if they are not previously reported in the literature and do not have >1% frequency in the population to be considered a polymorphism. Research indicates that truncating mutations in the TTN gene are expected to account for approximately 25% of familial and 18% of sporadic idiopathic DCM; however, truncating variants in the TTN gene have been reported in approximately 3% of reported control alleles. There has been little investigation into non-truncating variants. (Herman D et al. Truncations of titin causing dilated cardiomyopathy. N Eng J Med 366:619-628, 2012) The variant is found in DCM-CRDM panel(s).

Literature cited by the submitters: PubMed 26567375 (cited by Mayo Clinic Laboratories, Mayo Clinic and Women's Health and Genetics/Laboratory Corporation of America, LabCorp); PubMed 29988065 (cited by Mayo Clinic Laboratories, Mayo Clinic and Women's Health and Genetics/Laboratory Corporation of America, LabCorp).